The following is an entry in ClinVar:

NM_002354.3(EPCAM):c.835G>C (p.Val279Leu)

Gene: EPCAM (epithelial cell adhesion molecule; plus strand). Cytogenetic location: 2p21.
Variant type: single nucleotide variant.
Coding change: c.835G>C on transcript NM_002354.3 (MANE Select); coding-DNA position 835, G replaced by C.
Protein change: p.Val279Leu; replaces valine 279 with leucine.
Molecular consequence: missense variant.
Genome position (GRCh38, 1-based): chr2:47,379,946, G>C. VCF-style: chr2-47379946-G-C. GRCh37 (hg19) VCF-style: chr2-47607085-G-C.
Other names: short protein forms V279L.
Identifiers: ClinVar variation 239142 (VCV000239142.12), dbSNP rs878854495, ClinGen allele CA10581984.

ClinVar aggregate classification (germline): Uncertain significance. Review status: criteria provided, multiple submitters, no conflicts (2 of 4 stars). 2 submissions from 2 submitters: Uncertain significance (2). Last evaluated 2024-05-20.

Conditions:
Hereditary cancer-predisposing syndrome. Also called: Neoplastic Syndromes, Hereditary; Hereditary neoplastic syndrome; Tumor predisposition; Hereditary Cancer Syndrome. Identifiers: Orphanet 140162, MedGen C0027672, MeSH D009386, MONDO:0015356.

Submissions (2):

Ambry Genetics
Classification: Uncertain significance for Hereditary cancer-predisposing syndrome. Last evaluated: 2024-05-20. Review status: criteria provided, single submitter. Criteria: Ambry Variant Classification Scheme 2023. Collection method: clinical testing. Allele origin: germline.
Comment: The p.V279L variant (also known as c.835G>C), located in coding exon 7 of the EPCAM gene, results from a G to C substitution at nucleotide position 835. The valine at codon 279 is replaced by leucine, an amino acid with highly similar properties. This amino acid position is conserved. In addition, this alteration is predicted to be tolerated by in silico analysis. Since supporting evidence is limited at this time, the clinical significance of this alteration remains unclear.

Labcorp Genetics (formerly Invitae), Labcorp
Classification: Uncertain significance. Last evaluated: 2015-12-24. Review status: criteria provided, single submitter. Criteria: Invitae Variant Classification Sherloc (09022015). Collection method: clinical testing. Allele origin: germline.
Comment: This sequence change replaces valine with leucine at codon 279 of the EPCAM protein (p.Val279Leu). The valine residue is moderately conserved and there is a small physicochemical difference between valine and leucine. This variant is not present in population databases (ExAC no frequency) and has not been reported in the literature in individuals with a EPCAM-related disease. In summary, this is a novel missense change that is not predicted to affect protein function or cause disease. However, the evidence is insufficient at this time to prove that conclusively. It has been classified as a Variant of Uncertain Significance. Algorithms developed to predict the effect of missense changes on protein structure and function (SIFT, PolyPhen-2, Align-GVGD) all suggest that this variant is likely to be tolerated, but these predictions have not been confirmed by published functional studies. Furthermore, the leucine amino acid residue is found in multiple mammalian species, suggesting that this missense change does not adversely affect protein function.